The following is an entry in ClinVar:

NM_004370.6(COL12A1):c.7660A>G (p.Arg2554Gly)

Gene: COL12A1 (collagen type XII alpha 1 chain; minus strand). Cytogenetic location: 6q13.
Variant type: single nucleotide variant.
Coding change: c.7660A>G on transcript NM_004370.6 (MANE Select); coding-DNA position 7660, A replaced by G.
Protein change: p.Arg2554Gly; replaces arginine 2554 with glycine.
Molecular consequence: missense variant.
Genome position (GRCh38, 1-based): chr6:75,115,821, T>C on the plus strand (A>G on the coding strand, the complement: COL12A1 is on the minus strand). VCF-style: chr6-75115821-T-C. GRCh37 (hg19) VCF-style: chr6-75825537-T-C.
Other names: c.7660A>G, p.Arg2554Gly (NM_001424113.1); c.7639A>G, p.Arg2547Gly (NM_001424114.1); c.7387A>G, p.Arg2463Gly (NM_001424115.1); c.4168A>G, p.Arg1390Gly (NM_001424116.1, NM_080645.3); short protein forms R1390G, R2547G, R2554G, R2463G.
Identifiers: ClinVar variation 2940138 (VCV002940138.3), dbSNP rs1302611725, ClinGen allele CA364745002.
Genomic context (GRCh38, chr6:75,115,821, plus strand): 5'-AAACCTCCTGTTGTCACACTTACGCTGTAGGCTGATTCACAAACGCATTCTTCTGAATCC[T>C]GTATGCTGAGTAGCTGGGGAAAGACCCTGACTCCAAAGATACTCCTTGTACAGAAGCAAA-3'
Protein context (NP_004361.3, residues 2544-2564): SGSFPSYSAY[Arg2554Gly]IQKNAFVNQP

ClinVar aggregate classification (germline): Uncertain significance (1 of 4 stars; one submission).

Conditions:
Ullrich congenital muscular dystrophy 2 (UCMD2). Identifiers: Orphanet 75840, MedGen C4225314, MONDO:0014654, OMIM 616470.
Bethlem myopathy 2 (BTHLM2). Identifiers: Orphanet 536516, Orphanet 610, MedGen C4225313, MONDO:0034022, OMIM 616471.

gnomAD v4.1: 1 of 1,613,432 alleles (0.000062%); highest among the groups gnomAD compares: Non-Finnish European, 0.000085%; no homozygotes.

Submission:

Labcorp Genetics (formerly Invitae), Labcorp
Classification: Uncertain significance for Bethlem myopathy 2; Ullrich congenital muscular dystrophy 2. Last evaluated: 2024-01-04. Review status: criteria provided, single submitter. Criteria: Invitae Variant Classification Sherloc (09022015). Collection method: clinical testing. Allele origin: germline.
Comment: This sequence change replaces arginine, which is basic and polar, with glycine, which is neutral and non-polar, at codon 2554 of the COL12A1 protein (p.Arg2554Gly). This variant is not present in population databases (gnomAD no frequency). This variant has not been reported in the literature in individuals affected with COL12A1-related conditions. Advanced modeling of protein sequence and biophysical properties (such as structural, functional, and spatial information, amino acid conservation, physicochemical variation, residue mobility, and thermodynamic stability) performed at Invitae indicates that this missense variant is not expected to disrupt COL12A1 protein function with a negative predictive value of 80%. In summary, the available evidence is currently insufficient to determine the role of this variant in disease. Therefore, it has been classified as a Variant of Uncertain Significance.